The following is an entry in ClinVar:

NM_003664.5(AP3B1):c.841A>G (p.Lys281Glu)

Gene: AP3B1 (adaptor related protein complex 3 subunit beta 1; minus strand). Cytogenetic location: 5q14.1.
Variant type: single nucleotide variant.
Coding change: c.841A>G on transcript NM_003664.5 (MANE Select); coding-DNA position 841, A replaced by G.
Protein change: p.Lys281Glu; replaces lysine 281 with glutamic acid.
Molecular consequence: missense variant.
Genome position (GRCh38, 1-based): chr5:78,181,608, T>C on the plus strand (A>G on the coding strand, the complement: AP3B1 is on the minus strand). VCF-style: chr5-78181608-T-C. GRCh37 (hg19) VCF-style: chr5-77477432-T-C.
Other names: c.694A>G, p.Lys232Glu (NM_001271769.2); short protein forms K232E, K281E.
Identifiers: ClinVar variation 1398560 (VCV001398560.8), dbSNP rs1437339620, ClinGen allele CA360190415.

ClinVar aggregate classification (germline): Uncertain significance (1 of 4 stars; one submission).

Conditions:
Hermansky-Pudlak syndrome 2 (HPS2). Also called: Platelet defects and oculocutaneous albinism. Identifiers: Orphanet 183678, Orphanet 79430, MedGen C1842362, MONDO:0011997, OMIM 608233.

Allele frequency attached by ClinVar (database versions not stated): gnomAD exomes below 0.00001.
gnomAD v4.1: 2 of 1,612,586 alleles (0.00012%); highest among the groups gnomAD compares: Non-Finnish European, 0.000085%; no homozygotes.

Submission:

Labcorp Genetics (formerly Invitae), Labcorp
Classification: Uncertain significance for Hermansky-Pudlak syndrome 2. Last evaluated: 2021-05-31. Review status: criteria provided, single submitter. Criteria: Invitae Variant Classification Sherloc (09022015). Collection method: clinical testing. Allele origin: germline.
Comment: This variant is not present in population databases (ExAC no frequency). In summary, the available evidence is currently insufficient to determine the role of this variant in disease. Therefore, it has been classified as a Variant of Uncertain Significance. Algorithms developed to predict the effect of missense changes on protein structure and function (SIFT, PolyPhen-2, Align-GVGD) all suggest that this variant is likely to be tolerated, but these predictions have not been confirmed by published functional studies and their clinical significance is uncertain. This variant has not been reported in the literature in individuals with AP3B1-related conditions. This sequence change replaces lysine with glutamic acid at codon 281 of the AP3B1 protein (p.Lys281Glu). The lysine residue is weakly conserved and there is a small physicochemical difference between lysine and glutamic acid.